The following is an entry in ClinVar:

NM_003002.4(SDHD):c.23G>A (p.Ser8Asn)

Genes: SDHD (succinate dehydrogenase complex subunit D; plus strand), LOC126861339 (BRD4-independent group 4 enhancer GRCh37_chr11:111957035-111958234; plus strand). Cytogenetic location: 11q23.1.
Variant type: single nucleotide variant.
Coding change: c.23G>A on transcript NM_003002.4 (MANE Select); coding-DNA position 23, G replaced by A.
Protein change: p.Ser8Asn; replaces serine 8 with asparagine.
Molecular consequence: missense variant. On other transcripts: non-coding transcript variant (1).
Genome position (GRCh38, 1-based): chr11:112,086,930, G>A. VCF-style: chr11-112086930-G-A. GRCh37 (hg19) VCF-style: chr11-111957654-G-A.
Other names: c.23G>A, p.Ser8Asn (NM_001276503.2, NM_001276504.2, NM_001276506.2); short protein forms S8N.
Identifiers: ClinVar variation 1062149 (VCV001062149.12), dbSNP rs558914063, ClinGen allele CA382616675.

ClinVar aggregate classification (germline): Uncertain significance. Review status: criteria provided, multiple submitters, no conflicts (2 of 4 stars). 2 submissions from 2 submitters: Uncertain significance (2). Last evaluated 2023-04-04.

Conditions:
Pheochromocytoma. Also called: MAX-Related Hereditary Paraganglioma-Pheochromocytoma Syndrome. Identifiers: Orphanet 29072, MedGen C0031511, MONDO:0008233, OMIM 171300, HP:0002666.
Cowden syndrome 3 (CWS3). Identifiers: Orphanet 201, MedGen CN166604, MONDO:0014045.
Paragangliomas with sensorineural hearing loss. Identifiers: MedGen C1868633.
Carney-Stratakis syndrome. Also called: PARAGANGLIOMA AND GASTROINTESTINAL STROMAL TUMOR. Identifiers: Orphanet 97286, MedGen C1847319, MONDO:0011740, OMIM 606864.
Hereditary cancer-predisposing syndrome. Also called: Neoplastic Syndromes, Hereditary; Hereditary Cancer Syndrome; Hereditary neoplastic syndrome; Tumor predisposition. Identifiers: Orphanet 140162, MedGen C0027672, MeSH D009386, MONDO:0015356.

Allele frequency attached by ClinVar (database versions not stated): gnomAD exomes below 0.00001.

Submissions (2):

Labcorp Genetics (formerly Invitae), Labcorp
Classification: Uncertain significance for Carney-Stratakis syndrome; Paragangliomas with sensorineural hearing loss; Pheochromocytoma; Cowden syndrome 3. Last evaluated: 2023-04-04. Review status: criteria provided, single submitter. Criteria: Invitae Variant Classification Sherloc (09022015). Collection method: clinical testing. Allele origin: germline.
Comment: In summary, the available evidence is currently insufficient to determine the role of this variant in disease. Therefore, it has been classified as a Variant of Uncertain Significance. Advanced modeling of protein sequence and biophysical properties (such as structural, functional, and spatial information, amino acid conservation, physicochemical variation, residue mobility, and thermodynamic stability) performed at Invitae indicates that this missense variant is not expected to disrupt SDHD protein function. ClinVar contains an entry for this variant (Variation ID: 1062149). This variant has not been reported in the literature in individuals affected with SDHD-related conditions. This variant is not present in population databases (gnomAD no frequency). This sequence change replaces serine, which is neutral and polar, with asparagine, which is neutral and polar, at codon 8 of the SDHD protein (p.Ser8Asn).

Ambry Genetics
Classification: Uncertain significance for Hereditary cancer-predisposing syndrome. Last evaluated: 2022-05-27. Review status: criteria provided, single submitter. Criteria: Ambry Variant Classification Scheme 2023. Collection method: clinical testing. Allele origin: germline.
Comment: The p.S8N variant (also known as c.23G>A), located in coding exon 1 of the SDHD gene, results from a G to A substitution at nucleotide position 23. The serine at codon 8 is replaced by asparagine, an amino acid with highly similar properties. This amino acid position is conserved. In addition, the in silico prediction for this alteration is inconclusive. Since supporting evidence is limited at this time, the clinical significance of this alteration remains unclear.